The following is an entry in ClinVar:

ClinVar aggregate classification (germline): Pathogenic/Likely pathogenic. Review status: criteria provided, multiple submitters, no conflicts (2 of 4 stars). 10 submissions from 10 submitters: Pathogenic (6); Likely pathogenic (4). Last evaluated 2025-12-22.

Conditions:
Lynch syndrome 4 (LYNCH4). Also called: Colorectal cancer, hereditary nonpolyposis, type 4; Hereditary non-polyposis colorectal cancer, type 4. Identifiers: Orphanet 144, MedGen C1838333, MONDO:0013699, OMIM 614337. Disease mechanism: loss of function.
Mismatch repair cancer syndrome 4. Identifiers: MedGen C5436817, MONDO:0030843, OMIM 619101.
Hereditary cancer-predisposing syndrome. Also called: Hereditary neoplastic syndrome; Hereditary Cancer Syndrome; Neoplastic Syndromes, Hereditary; Tumor predisposition. Identifiers: Orphanet 140162, MedGen C0027672, MeSH D009386, MONDO:0015356.
Hereditary nonpolyposis colorectal neoplasms. Identifiers: MedGen C0009405, MeSH D003123.
Lynch syndrome. Identifiers: Orphanet 144, MedGen C4552100, MONDO:0005835. Disease mechanism: loss of function.

Submissions (10):

Labcorp Genetics (formerly Invitae), Labcorp
Classification: Pathogenic for Hereditary nonpolyposis colorectal neoplasms. Last evaluated: 2025-12-22. Review status: criteria provided, single submitter. Criteria: Invitae Variant Classification Sherloc (09022015). Collection method: clinical testing. Allele origin: germline.
Comment: This sequence change creates a premature translational stop signal (p.Lys593Serfs*2) in the PMS2 gene. It is expected to result in an absent or disrupted protein product. Loss-of-function variants in PMS2 are known to be pathogenic (PMID: 21376568, 24362816). This variant is present in population databases (rs766389591, gnomAD 0.0009%). This variant has not been reported in the literature in individuals affected with PMS2-related conditions. ClinVar contains an entry for this variant (Variation ID: 234673). For these reasons, this variant has been classified as Pathogenic.

Myriad Genetics, Inc.
Classification: Pathogenic for Lynch syndrome 4. Last evaluated: 2023-09-20. Review status: criteria provided, single submitter. Criteria: Myriad Autosomal Dominant, Autosomal Recessive and X-Linked Classification Criteria (2023). Collection method: clinical testing. Allele origin: unknown.
Comment: This variant is considered pathogenic. This variant creates a frameshift predicted to result in premature protein truncation.

All of Us Research Program, National Institutes of Health
Classification: Pathogenic for Lynch syndrome. Last evaluated: 2023-08-23. Review status: criteria provided, single submitter. Criteria: ACMG Guidelines, 2015. Collection method: clinical testing. Allele origin: germline. Inheritance: Autosomal dominant inheritance. Observed: 1 variant allele, 1 heterozygote.
Comment: This variant deletes 1 nucleotide in exon 11 of the PMS2 gene, creating a frameshift and premature translation stop signal. This variant is expected to result in an absent or non-functional protein product. To our knowledge, this variant has not been reported in individuals affected with PMS2-related disorders in the literature. This variant has been identified in 1/251436 chromosomes in the general population by the Genome Aggregation Database (gnomAD). Loss of PMS2 function is a known mechanism of disease. Based on the available evidence, this variant is classified as Pathogenic.

This study involves interpretation of variants in research participants for the purpose of population health screening. Participant phenotype was not available at the time of variant classification. Additional details can be found in publication PMID: 35346344, PMCID: PMC8962531

Color Diagnostics, LLC DBA Color Health
Classification: Pathogenic for Hereditary cancer-predisposing syndrome. Last evaluated: 2023-06-28. Review status: criteria provided, single submitter. Criteria: ACMG Guidelines, 2015. Collection method: clinical testing. Allele origin: germline.
Comment: This variant deletes 1 nucleotide in exon 11 of the PMS2 gene, creating a frameshift and premature translation stop signal. This variant is expected to result in an absent or non-functional protein product. To our knowledge, this variant has not been reported in individuals affected with PMS2-related disorders in the literature. This variant has been identified in 1/251436 chromosomes in the general population by the Genome Aggregation Database (gnomAD). Loss of PMS2 function is a known mechanism of disease. Based on the available evidence, this variant is classified as Pathogenic.

Ambry Genetics
Classification: Pathogenic for Hereditary cancer-predisposing syndrome. Last evaluated: 2022-10-07. Review status: criteria provided, single submitter. Criteria: Ambry Variant Classification Scheme 2023. Collection method: clinical testing. Allele origin: germline.
Comment: The c.1778delA pathogenic mutation, located in coding exon 11 of the PMS2 gene, results from a deletion of one nucleotide at nucleotide position 1778, causing a translational frameshift with a predicted alternate stop codon (p.K593Sfs*2). This alteration is expected to result in loss of function by premature protein truncation or nonsense-mediated mRNA decay. As such, this alteration is interpreted as a disease-causing mutation.

Fulgent Genetics
Classification: Likely pathogenic for Lynch syndrome 4; Mismatch repair cancer syndrome 4. Last evaluated: 2022-02-24. Review status: criteria provided, single submitter. Criteria: ACMG Guidelines, 2015. Collection method: clinical testing. Allele origin: unknown.

Department of Pathology and Laboratory Medicine, Sinai Health System
Classification: Pathogenic for Mismatch repair cancer syndrome 4. Last evaluated: 2020-12-15. Review status: criteria provided, single submitter. Criteria: ACMG Guidelines, 2015. Collection method: clinical testing. Allele origin: germline. Affected: yes.

Quest Diagnostics Nichols Institute San Juan Capistrano
Classification: Likely pathogenic. Last evaluated: 2019-06-20. Review status: criteria provided, single submitter. Criteria: Quest Diagnostics criteria. Collection method: clinical testing. Allele origin: germline.
Comment: The variant results in a shift of the reading frame, and is therefore predicted to result in the loss of a functional protein. The best available variant frequency is uninformative.

Laboratory for Molecular Medicine, Mass General Brigham Personalized Medicine
Classification: Likely pathogenic for Lynch syndrome. Last evaluated: 2019-05-08. Review status: criteria provided, single submitter. Criteria: ACMG Guidelines, 2015. Collection method: clinical testing. Allele origin: germline.
Comment: The p.Lys593SerfsX2 variant in PMS2 has not been previously reported in individuals with Lynch syndrome but has been identified in 1/113742 European chromosomes by gnomAD. This variant has also been reported in ClinVar (Variation ID 234673). This variant is predicted to cause a frameshift, which alters the protein’s amino acid sequence beginning at position 593 and leads to a premature termination codon 2 amino acids downstream. This alteration is then predicted to lead to a truncated or absent protein. Loss of function of the PMS2 gene is an established disease mechanism in autosomal dominant Lynch syndrome. In summary, although additional studies are required to fully establish its clinical significance, this variant meets criteria to be classified as likely pathogenic for autosomal dominant Lynch syndrome. ACMG/AMP Criteria applied: PVS1, PM2.

GeneDx
Classification: Likely pathogenic. Last evaluated: 2015-12-03. Review status: criteria provided, single submitter. Criteria: GeneDx Variant Classification (06012015). Collection method: clinical testing. Allele origin: germline. Affected: yes.
Comment: This deletion of one nucleotide in PMS2 is denoted c.1778delA at the cDNA level and p.Lys593SerfsX2(K593SfsX2) at the protein level. The normal sequence, with the base that is deleted in braces, is CAAA[A]GTTA. The deletion causes a frameshift, which changes a Lysine to a Serine at codon 593, and creates a premature stop codon at position 2 of the new reading frame. Although this variant has not, to our knowledge, been reported in the literature, it is predicted to cause loss of normal protein function through either protein truncation or nonsense-mediated mRNA decay. Based on the currently available information, we consider this deletion to be a likely pathogenic variant.

Literature cited by the submitters: PubMed 21376568 (cited by Labcorp Genetics (formerly Invitae), Labcorp); PubMed 24362816 (cited by Labcorp Genetics (formerly Invitae), Labcorp).

NM_000535.7(PMS2):c.1778del (p.Lys593fs)

Gene: PMS2 (PMS1 homolog 2, mismatch repair system component; minus strand). Cytogenetic location: 7p22.1.
Variant type: Deletion.
Coding change: c.1778del on transcript NM_000535.7 (MANE Select); coding-DNA position 1778, one base deleted (A; older notation c.1778delA).
Protein change: p.Lys593fs; shifts the reading frame from lysine 593.
Molecular consequence: frameshift variant. On other transcripts: non-coding transcript variant (1).
Genome position (GRCh38, 1-based): chr7:5,986,987, T deleted on the plus strand (A on the coding strand, the reverse complement: PMS2 is on the minus strand); the first of 4 consecutive T bases (chr7:5,986,987-5,986,990); deleting any one gives the same sequence. VCF-style (leftmost placement, unchanged base first): chr7-5986986-CT-C. GRCh37 (hg19) VCF-style: chr7-6026617-CT-C.
Other names: c.1373del, p.Lys458fs (NM_001322003.2, NM_001322004.2, NM_001322005.2 and 1 more transcripts); c.1622del, p.Lys541fs (NM_001322006.2); c.1460del, p.Lys487fs (NM_001322007.2, NM_001322008.2); c.1217del, p.Lys406fs (NM_001322010.2); c.845del, p.Lys282fs (NM_001322011.2, NM_001322012.2); c.1205del, p.Lys402fs (NM_001322013.2); c.1778del, p.Lys593fs (NM_001322014.2); c.1469del, p.Lys490fs (NM_001322015.2); and 1 more; short protein forms K402fs, K458fs, K487fs, K541fs, K593fs, K282fs, K406fs, K490fs.
Identifiers: ClinVar variation 234673 (VCV000234673.24), dbSNP rs766389591, ClinGen allele CA045540.